The following is an entry in ClinVar:

NM_004385.5(VCAN):c.2810T>A (p.Val937Glu)

Gene: VCAN (versican; plus strand). Cytogenetic location: 5q14.3.
Variant type: single nucleotide variant.
Coding change: c.2810T>A on transcript NM_004385.5 (MANE Select); coding-DNA position 2810, T replaced by A.
Protein change: p.Val937Glu; replaces valine 937 with glutamic acid.
Molecular consequence: missense variant. On other transcripts: intron variant (2).
Genome position (GRCh38, 1-based): chr5:83,521,116, T>A. VCF-style: chr5-83521116-T-A. GRCh37 (hg19) VCF-style: chr5-82816935-T-A.
Other names: c.2810T>A, p.Val937Glu (NM_001164098.2); c.1042+8720T>A (NM_001164097.2, NM_001126336.3); short protein forms V937E.
Identifiers: ClinVar variation 2012640 (VCV002012640.4), dbSNP rs1487251546, ClinGen allele CA360304738.

ClinVar aggregate classification (germline): Uncertain significance (1 of 4 stars; one submission).

Allele frequency attached by ClinVar (database versions not stated): TOPMed below 0.00001; gnomAD 0.00001; gnomAD exomes 0.00001.
gnomAD v4.1: 12 of 1,614,024 alleles (0.00074%); highest among the groups gnomAD compares: Non-Finnish European, 0.00093%; no homozygotes.

Submission:

Labcorp Genetics (formerly Invitae), Labcorp
Classification: Uncertain significance. Last evaluated: 2022-08-05. Review status: criteria provided, single submitter. Criteria: Invitae Variant Classification Sherloc (09022015). Collection method: clinical testing. Allele origin: germline.
Comment: In summary, the available evidence is currently insufficient to determine the role of this variant in disease. Therefore, it has been classified as a Variant of Uncertain Significance. Algorithms developed to predict the effect of missense changes on protein structure and function output the following: SIFT: "Deleterious"; PolyPhen-2: "Benign"; Align-GVGD: "Class C0". The glutamic acid amino acid residue is found in multiple mammalian species, which suggests that this missense change does not adversely affect protein function. This variant has not been reported in the literature in individuals affected with VCAN-related conditions. This variant is not present in population databases (gnomAD no frequency). This sequence change replaces valine, which is neutral and non-polar, with glutamic acid, which is acidic and polar, at codon 937 of the VCAN protein (p.Val937Glu).